The following is an entry in ClinVar:

ClinVar aggregate classification (germline): Pathogenic (1 of 4 stars; one submission).

Conditions:
Chromosome 17q11.2 deletion syndrome, 1.4Mb. Also called: Chromosome 17q11.2 deletion syndrome, 1.4 MB; VAN ASPEREN SYNDROME; Overgrowth-macrocephaly-facial dysmorphism syndrome; NEUROFIBROMATOSIS 1 MICRODELETION SYNDROME; NF1 MICRODELETION SYNDROME. Identifiers: Orphanet 139474, Orphanet 636, Orphanet 97685, MedGen C5401456, MONDO:0013357, OMIM 613675.

Submission:

Suzhou Clinical Center for Rare Diseases in Children, Children's Hospital of Soochow University
Classification: Pathogenic for Chromosome 17q11.2 deletion syndrome, 1.4Mb. Last evaluated: 2024-09-01. Review status: criteria provided, single submitter. Criteria: ACMG/ClinGen CNV Guidelines, 2019. Collection method: clinical testing. Allele origin: de novo. Inheritance: Sporadic. Affected: yes. Observed: 1 heterozygote.
Comment: Copy number variation identified through the course of routine clinical cytogenomic testing in postnatal populations. Clinical assertions have been curated as described in Kaminsky et al. 2011.

Single allele

Genes: COPRS (coordinator of PRMT5 and differentiation stimulator; minus strand), EVI2A (ecotropic viral integration site 2A; minus strand), EVI2B (ecotropic viral integration site 2B; minus strand), LRRC37B (leucine rich repeat containing 37B; plus strand), MIR193A (microRNA 193a; plus strand) and 5 more. Cytogenetic location: 17q11.2.
Variant type: Deletion.
Identifiers: ClinVar variation 3362875 (VCV003362875.2).